The following is an entry in ClinVar:

NM_173628.4(DNAH17):c.6492C>T (p.Cys2164=)

Genes: DNAH17 (dynein axonemal heavy chain 17; minus strand), DNAH17-AS1 (DNAH17 antisense RNA 1; plus strand). Cytogenetic location: 17q25.3.
Variant type: single nucleotide variant.
Coding change: c.6492C>T on transcript NM_173628.4 (MANE Select); coding-DNA position 6492, C replaced by T.
Protein change: p.Cys2164=; no amino-acid change (cysteine 2164 retained).
Molecular consequence: synonymous variant.
Genome position (GRCh38, 1-based): chr17:78,492,682, G>A on the plus strand (C>T on the coding strand, the complement: DNAH17 is on the minus strand). VCF-style: chr17-78492682-G-A. GRCh37 (hg19) VCF-style: chr17-76488764-G-A.
Identifiers: ClinVar variation 3056843 (VCV003056843.3), dbSNP rs149646111, ClinGen allele CA8802750.

ClinVar aggregate classification (germline): Likely benign. Review status: criteria provided, single submitter (1 of 4 stars). 2 submissions from 2 submitters: Likely benign (1). 1 of the submissions does not count toward it. Last evaluated 2024-11-05.

Conditions:
DNAH17-related disorder. Also called: DNAH17-related condition.

Allele frequency attached by ClinVar (database versions not stated): gnomAD exomes 0.00034; ExAC 0.00054; gnomAD 0.00154; 1000 Genomes Project 30x 0.00156; TOPMed 0.00158; 1000 Genomes Project 0.00160; ESP Exome Variant Server 0.00193.
gnomAD v4.1: 733 of 1,613,546 alleles (0.045%); highest among the groups gnomAD compares: African/African-American, 0.47%; 1 homozygote.

Submissions (2):

Blueprint Genetics
Classification: Likely benign. Last evaluated: 2024-11-05. Review status: criteria provided, single submitter. Criteria: ACMG Guidelines, 2015. Collection method: clinical testing. Allele origin: germline.

PreventionGenetics, part of Exact Sciences
Classification: Likely benign for DNAH17-related condition. Last evaluated: 2019-06-12. Review status: no assertion criteria provided. Collection method: clinical testing. Allele origin: germline. Not counted in ClinVar's aggregate classification.
Comment: This variant is classified as likely benign based on ACMG/AMP sequence variant interpretation guidelines (Richards et al. 2015 PMID: 25741868, with internal and published modifications).